The following is an entry in ClinVar:

ClinVar aggregate classification (germline): Pathogenic (1 of 4 stars; one submission).

Conditions:
3-Oxo-5 alpha-steroid delta 4-dehydrogenase deficiency (PPSH). Also called: PSEUDOVAGINAL PERINEOSCROTAL HYPOSPADIAS; FAMILIAL INCOMPLETE MALE PSEUDOHERMAPHRODITISM, TYPE 2; 46,XY disorder of sex development due to 5-alpha-reductase 2 deficiency; MALE PSEUDOHERMAPHRODITISM DUE TO 5-ALPHA-REDUCTASE DEFICIENCY. Identifiers: Orphanet 753, MedGen C0268297, MONDO:0009923, OMIM 264600. Disease mechanism: loss of function.

Submission:

Labcorp Genetics (formerly Invitae), Labcorp
Classification: Pathogenic for 3-Oxo-5 alpha-steroid delta 4-dehydrogenase deficiency. Last evaluated: 2024-01-04. Review status: criteria provided, single submitter. Criteria: Invitae Variant Classification Sherloc (09022015). Collection method: clinical testing. Allele origin: unknown.
Comment: This variant is a gross deletion of the genomic region encompassing exon(s) 2 of the SRD5A2 gene. This deletion is out-of-frame, and is expected to create a premature termination codon and result in an absent or disrupted protein product. Loss-of-function variants in SRD5A2 are known to be pathogenic (PMID: 1406794, 1944596). A similar copy number variant has been observed in individual(s) with clinical features of steroid 5-alpha reductase-2 deficiency (PMID: 27086719). For these reasons, this variant has been classified as Pathogenic.

Literature cited by the submitters: PubMed 1406794; PubMed 1944596; PubMed 27086719.

NC_000002.11:g.(?_31758653)_(31758856_?)del

Gene: SRD5A2 (steroid 5 alpha-reductase 2; minus strand). Cytogenetic location: 2p23.1.
Variant type: Deletion.
Identifiers: ClinVar variation 3247147 (VCV003247147.1).